The following is an entry in ClinVar:

ClinVar aggregate classification (germline): Uncertain significance (1 of 4 stars; one submission).

Conditions:
Inborn genetic diseases. Identifiers: MedGen C0950123, MeSH D030342.

Submission:

Ambry Genetics
Classification: Uncertain significance for Inborn genetic diseases. Last evaluated: 2025-08-25. Review status: criteria provided, single submitter. Criteria: Ambry Variant Classification Scheme 2023. Collection method: clinical testing. Allele origin: germline.
Comment: The c.965C>A (p.A322D) alteration is located in exon 3 (coding exon 2) of the BMP2 gene. This alteration results from a C to A substitution at nucleotide position 965, causing the alanine (A) at amino acid position 322 to be replaced by an aspartic acid (D). This variant was not reported in population-based cohorts in the Genome Aggregation Database (gnomAD). This amino acid position is highly conserved in available vertebrate species. This alteration is predicted to be deleterious by in silico analysis. Based on insufficient or conflicting evidence, the clinical significance of this alteration remains unclear.

NM_001200.4(BMP2):c.965C>A (p.Ala322Asp)

Gene: BMP2 (bone morphogenetic protein 2; plus strand). Cytogenetic location: 20p12.3.
Variant type: single nucleotide variant.
Coding change: c.965C>A on transcript NM_001200.4 (MANE Select); coding-DNA position 965, C replaced by A.
Protein change: p.Ala322Asp; replaces alanine 322 with aspartic acid.
Molecular consequence: missense variant.
Genome position (GRCh38, 1-based): chr20:6,778,863, C>A. VCF-style: chr20-6778863-C-A. GRCh37 (hg19) VCF-style: chr20-6759510-C-A.
Other names: short protein forms A322D.
Identifiers: ClinVar variation 4214258 (VCV004214258.1).